The following is an entry in ClinVar:

NM_032520.5(GNPTG):c.26T>C (p.Leu9Pro)

Genes: GNPTG (N-acetylglucosamine-1-phosphate transferase subunit gamma; plus strand), LOC130058158 (ATAC-STARR-seq lymphoblastoid silent region 6972; plus strand). Cytogenetic location: 16p13.3.
Variant type: single nucleotide variant.
Coding change: c.26T>C on transcript NM_032520.5 (MANE Select); coding-DNA position 26, T replaced by C.
Protein change: p.Leu9Pro; replaces leucine 9 with proline.
Molecular consequence: missense variant.
Genome position (GRCh38, 1-based): chr16:1,351,991, T>C. VCF-style: chr16-1351991-T-C. GRCh37 (hg19) VCF-style: chr16-1401992-T-C.
Other names: short protein forms L9P.
Identifiers: ClinVar variation 965293 (VCV000965293.10), dbSNP rs772239803, ClinGen allele CA7807442.

ClinVar aggregate classification (germline): Uncertain significance (1 of 4 stars; one submission).

Allele frequency attached by ClinVar (database versions not stated): gnomAD exomes below 0.00001; ExAC 0.00024.
gnomAD v4.1: 1 of 1,429,296 alleles (0.00007%); highest among the groups gnomAD compares: South Asian, 0.0014%; no homozygotes.

Submission:

Labcorp Genetics (formerly Invitae), Labcorp
Classification: Uncertain significance. Last evaluated: 2019-10-25. Review status: criteria provided, single submitter. Criteria: Invitae Variant Classification Sherloc (09022015). Collection method: clinical testing. Allele origin: germline.
Comment: This sequence change replaces leucine with proline at codon 9 of the GNPTG protein (p.Leu9Pro). The leucine residue is moderately conserved and there is a moderate physicochemical difference between leucine and proline. While this variant is present in population databases (rs772239803), the frequency information is unreliable, as metrics indicate poor data quality at this position in the ExAC database. This variant has been observed in individual(s) with clinical features of mucolipidosis III gamma (Invitae). In at least one individual the data is consistent with the variant being in trans (on the opposite chromosome) from a pathogenic variant. Algorithms developed to predict the effect of missense changes on protein structure and function are either unavailable or do not agree on the potential impact of this missense change (SIFT: "Deleterious"; PolyPhen-2: "Not Available"; Align-GVGD: "Class C0"). In summary, the available evidence is currently insufficient to determine the role of this variant in disease. Therefore, it has been classified as a Variant of Uncertain Significance.